The following is an entry in ClinVar:

ClinVar aggregate classification (germline): Uncertain significance (1 of 4 stars; one submission).

Conditions:
Arrhythmogenic cardiomyopathy with wooly hair and keratoderma. Also called: PALMOPLANTAR KERATODERMA WITH LEFT VENTRICULAR CARDIOMYOPATHY AND WOOLLY HAIR; Carvajal syndrome; Dilated cardiomyopathy with woolly hair and keratoderma; Arrhythmogenic cardiomyopathy with woolly hair and keratoderma. Identifiers: Orphanet 65282, MedGen C1854063, MONDO:0011581, OMIM 605676.
Arrhythmogenic right ventricular dysplasia 8 (ARVD8). Also called: Arrhythmogenic Right Ventricular Dysplasia/Cardiomyopathy 8; ARRHYTHMOGENIC RIGHT VENTRICULAR CARDIOMYOPATHY 8; ARRHYTHMOGENIC RIGHT VENTRICULAR DYSPLASIA, FAMILIAL, 8. Identifiers: MedGen C1843896, MONDO:0011831, OMIM 607450.

gnomAD v4.1: 1 of 1,614,074 alleles (0.000062%); highest among the groups gnomAD compares: Non-Finnish European, 0.000085%; no homozygotes.

Submission:

Labcorp Genetics (formerly Invitae), Labcorp
Classification: Uncertain significance for Arrhythmogenic cardiomyopathy with wooly hair and keratoderma; Arrhythmogenic right ventricular dysplasia 8. Last evaluated: 2025-02-19. Review status: criteria provided, single submitter. Criteria: Invitae Variant Classification Sherloc (09022015). Collection method: clinical testing. Allele origin: germline.
Comment: This sequence change replaces glycine, which is neutral and non-polar, with arginine, which is basic and polar, at codon 2703 of the DSP protein (p.Gly2703Arg). This variant is present in population databases (rs750255089, gnomAD 0.0009%). This variant has not been reported in the literature in individuals affected with DSP-related conditions. An algorithm developed to predict the effect of missense changes on protein structure and function (PolyPhen-2) suggests that this variant is likely to be disruptive. In summary, the available evidence is currently insufficient to determine the role of this variant in disease. Therefore, it has been classified as a Variant of Uncertain Significance.

NM_004415.4(DSP):c.8107G>A (p.Gly2703Arg)

Gene: DSP (desmoplakin; plus strand). Cytogenetic location: 6p24.3.
Variant type: single nucleotide variant.
Coding change: c.8107G>A on transcript NM_004415.4 (MANE Select); coding-DNA position 8107, G replaced by A.
Protein change: p.Gly2703Arg; replaces glycine 2703 with arginine.
Molecular consequence: missense variant.
Genome position (GRCh38, 1-based): chr6:7,585,369, G>A. VCF-style: chr6-7585369-G-A. GRCh37 (hg19) VCF-style: chr6-7585602-G-A.
Other names: c.6310G>A, p.Gly2104Arg (NM_001008844.3); c.6778G>A, p.Gly2260Arg (NM_001319034.2); short protein forms G2104R, G2260R, G2703R.
Identifiers: ClinVar variation 3763899 (VCV003763899.2).